The following is an entry in ClinVar:

NM_006231.4(POLE):c.6620T>C (p.Leu2207Pro)

Gene: POLE (DNA polymerase epsilon, catalytic subunit; minus strand). Cytogenetic location: 12q24.33.
Variant type: single nucleotide variant.
Coding change: c.6620T>C on transcript NM_006231.4 (MANE Select); coding-DNA position 6620, T replaced by C.
Protein change: p.Leu2207Pro; replaces leucine 2207 with proline.
Molecular consequence: missense variant.
Genome position (GRCh38, 1-based): chr12:132,625,682, A>G on the plus strand (T>C on the coding strand, the complement: POLE is on the minus strand). VCF-style: chr12-132625682-A-G. GRCh37 (hg19) VCF-style: chr12-133202268-A-G.
Other names: c.6620T>C (NM_006231.2); short protein forms L2207P.
Identifiers: ClinVar variation 4692589 (VCV004692589.2).

ClinVar aggregate classification (germline): Uncertain significance. Review status: criteria provided, multiple submitters, no conflicts (2 of 4 stars). 2 submissions from 2 submitters: Uncertain significance (2). Last evaluated 2026-03-16.

Conditions:
Hereditary cancer-predisposing syndrome. Also called: Neoplastic Syndromes, Hereditary; Tumor predisposition; Hereditary Cancer Syndrome; Hereditary neoplastic syndrome. Identifiers: Orphanet 140162, MedGen C0027672, MeSH D009386, MONDO:0015356.

Submissions (2):

Ambry Genetics
Classification: Uncertain significance for Hereditary cancer-predisposing syndrome. Last evaluated: 2026-03-16. Review status: criteria provided, single submitter. Criteria: Ambry Variant Classification Scheme 2023. Collection method: clinical testing. Allele origin: germline.
Comment: The p.L2207P variant (also known as c.6620T>C), located in coding exon 47 of the POLE gene, results from a T to C substitution at nucleotide position 6620. The leucine at codon 2207 is replaced by proline, an amino acid with similar properties. This amino acid position is conserved. In addition, this alteration is predicted to be deleterious by in silico analysis. Based on the available evidence, the clinical significance of this variant remains unclear.

Labcorp Genetics (formerly Invitae), Labcorp
Classification: Uncertain significance. Last evaluated: 2025-09-03. Review status: criteria provided, single submitter. Criteria: Invitae Variant Classification Sherloc (09022015). Collection method: clinical testing. Allele origin: germline.
Comment: This sequence change replaces leucine, which is neutral and non-polar, with proline, which is neutral and non-polar, at codon 2207 of the POLE protein (p.Leu2207Pro). This variant is not present in population databases (gnomAD no frequency). This variant has not been reported in the literature in individuals affected with POLE-related conditions. Invitae Evidence Modeling of protein sequence and biophysical properties (such as structural, functional, and spatial information, amino acid conservation, physicochemical variation, residue mobility, and thermodynamic stability) has been performed for this missense variant. However, the output from this modeling did not meet the statistical confidence thresholds required to predict the impact of this variant on POLE protein function. In summary, the available evidence is currently insufficient to determine the role of this variant in disease. Therefore, it has been classified as a Variant of Uncertain Significance.